The following is an entry in ClinVar:

ClinVar aggregate classification (germline): Uncertain significance (1 of 4 stars; one submission).

Conditions:
Inborn genetic diseases. Identifiers: MedGen C0950123, MeSH D030342.

gnomAD v4.1: 1 of 1,610,764 alleles (0.000062%); highest among the groups gnomAD compares: Non-Finnish European, 0.000085%; no homozygotes.

Submission:

Ambry Genetics
Classification: Uncertain significance for Inborn genetic diseases. Last evaluated: 2025-09-21. Review status: criteria provided, single submitter. Criteria: Ambry Variant Classification Scheme 2023. Collection method: clinical testing. Allele origin: germline.
Comment: The p.P1004S variant (also known as c.3010C>T), located in coding exon 30 of the RTEL1 gene, results from a C to T substitution at nucleotide position 3010. The proline at codon 1004 is replaced by serine, an amino acid with similar properties. This amino acid position is conserved. In addition, this alteration is predicted to be tolerated by in silico analysis. Based on the available evidence, the clinical significance of this variant remains unclear.

NM_001283009.2(RTEL1):c.3010C>T (p.Pro1004Ser)

Genes: RTEL1 (regulator of telomere elongation helicase 1; plus strand), RTEL1-TNFRSF6B (RTEL1-TNFRSF6B readthrough (NMD candidate); plus strand). Cytogenetic location: 20q13.33.
Variant type: single nucleotide variant.
Coding change: c.3010C>T on transcript NM_001283009.2 (MANE Select); coding-DNA position 3010, C replaced by T.
Protein change: p.Pro1004Ser; replaces proline 1004 with serine.
Molecular consequence: missense variant. On other transcripts: non-coding transcript variant (1).
Genome position (GRCh38, 1-based): chr20:63,694,389, C>T. VCF-style: chr20-63694389-C-T. GRCh37 (hg19) VCF-style: chr20-62325742-C-T.
Other names: c.2341C>T, p.Pro781Ser (NM_001283010.1); c.3010C>T, p.Pro1004Ser (NM_016434.4); c.3082C>T, p.Pro1028Ser (NM_032957.5); short protein forms P1028S, P1004S, P781S.
Identifiers: ClinVar variation 4629511 (VCV004629511.1).